The following is an entry in ClinVar:

NM_001378454.1(ALMS1):c.6950T>C (p.Leu2317Pro)

Gene: ALMS1 (ALMS1 centrosome and basal body associated protein; plus strand). Cytogenetic location: 2p13.1.
Variant type: single nucleotide variant.
Coding change: c.6950T>C on transcript NM_001378454.1 (MANE Select); coding-DNA position 6950, T replaced by C.
Protein change: p.Leu2317Pro; replaces leucine 2317 with proline.
Molecular consequence: missense variant.
Genome position (GRCh38, 1-based): chr2:73,453,477, T>C. VCF-style: chr2-73453477-T-C. GRCh37 (hg19) VCF-style: chr2-73680604-T-C.
Other names: c.6953T>C, p.Leu2318Pro (NM_015120.4); short protein forms L2318P, L2317P.
Identifiers: ClinVar variation 840327 (VCV000840327.13), dbSNP rs185469456, ClinGen allele CA1714156.
Genomic context (GRCh38, chr2:73,453,477, plus strand): 5'-CTAAGAAGGTGGTTTGCTTCAAAGAACCCTCTTCCACGGGTGTATCTAATGGTGATTTGC[T>C]TCACAGACAGCCATTCACAGAGGAAAGCCCAAGCAGCAGGTGCATACAGAAGGATATTGG-3'
Protein context (NP_001365383.1, residues 2307-2327): SSTGVSNGDL[Leu2317Pro]HRQPFTEESP

ClinVar aggregate classification (germline): Conflicting classifications of pathogenicity. Review status: criteria provided, conflicting classifications (1 of 4 stars). 6 submissions from 6 submitters: Uncertain significance (3); Likely benign (3). Last evaluated 2026-08-20.

Conditions:
Cardiovascular phenotype. Identifiers: MedGen CN230736.
Alstrom syndrome (ALMS). Identifiers: Orphanet 64, MedGen C0268425, MONDO:0008763, OMIM 203800.

Allele frequency attached by ClinVar (database versions not stated): gnomAD exomes 0.00002 and 0.00008; ExAC 0.00008; 1000 Genomes Project 30x 0.00016; ESP Exome Variant Server 0.00017; 1000 Genomes Project 0.00020; TOPMed 0.00028; gnomAD 0.00030 and 0.00033.
gnomAD v4.1: 75 of 1,613,438 alleles (0.0046%); highest among the groups gnomAD compares: African/African-American, 0.095%; no homozygotes.

Submissions (6):

GeneDx
Classification: Uncertain significance. Last evaluated: 2026-08-20. Review status: criteria provided, single submitter. Criteria: GeneDx Variant Classification Process June 2021. Collection method: clinical testing. Allele origin: germline.
Comment: Observed as as a single heterozygous variant in a patient with hypertrophic cardiomyopathy in the literature (PMID: 32746448); In silico analysis suggests that this missense variant does not alter protein structure/function; This variant is associated with the following publications: (PMID: 32746448)

Women's Health and Genetics/Laboratory Corporation of America, LabCorp
Classification: Likely benign. Last evaluated: 2025-05-19. Review status: criteria provided, single submitter. Criteria: LabCorp Variant Classification Summary - May 2015. Collection method: clinical testing. Allele origin: germline.
Comment: Variant summary: ALMS1 c.6947T>C (p.Leu2316Pro) results in a non-conservative amino acid change in the encoded protein sequence. Algorithms developed to predict the effect of missense changes on protein structure and function are either unavailable or do not agree on the potential impact of this missense change. However, sequence comparison with other vertebrate species indicates that the Leu>Pro substitution at this codon is phylogenetically not constrained (see e.g. PMID 2935873). The variant allele was found at a frequency of 0.00011 in 280116 control chromosomes, predominantly at a frequency of 0.0013 within the African or African-American subpopulation in the gnomAD database. This frequency is similar to the maximum estimated for a pathogenic variant in ALMS1 causing Alstrom Syndrome (0.0014), suggesting that the variant might be benign. c.6947T>C has been observed in an individual affected with hypertrophic cardiomyopathy (Burstein_2021). These report(s) do not provide unequivocal conclusions about association of the variant with Alstrom Syndrome. To our knowledge, no experimental evidence demonstrating an impact on protein function has been reported. The following publication have been ascertained in the context of this evaluation (PMID: 32746448). ClinVar contains an entry for this variant (Variation ID: 840327). Based on the evidence outlined above, the variant was classified as likely benign.

Labcorp Genetics (formerly Invitae), Labcorp
Classification: Uncertain significance for Alstrom syndrome. Last evaluated: 2025-01-23. Review status: criteria provided, single submitter. Criteria: Invitae Variant Classification Sherloc (09022015). Collection method: clinical testing. Allele origin: germline.
Comment: This sequence change replaces leucine, which is neutral and non-polar, with proline, which is neutral and non-polar, at codon 2318 of the ALMS1 protein (p.Leu2318Pro). This variant is present in population databases (rs185469456, gnomAD 0.1%). This missense change has been observed in individual(s) with hypertrophic cardiomyopathy (PMID: 32746448). This variant is also known as c.6950T>C (p.Leu2317Pro). ClinVar contains an entry for this variant (Variation ID: 840327). Experimental studies and prediction algorithms are not available or were not evaluated, and the functional significance of this variant is currently unknown. In summary, the available evidence is currently insufficient to determine the role of this variant in disease. Therefore, it has been classified as a Variant of Uncertain Significance.

Fulgent Genetics
Classification: Uncertain significance for Alstrom syndrome. Last evaluated: 2022-03-07. Review status: criteria provided, single submitter. Criteria: ACMG Guidelines, 2015. Collection method: clinical testing. Allele origin: unknown.

Ambry Genetics
Classification: Likely benign for Cardiovascular phenotype. Last evaluated: 2021-09-22. Review status: criteria provided, single submitter. Criteria: Ambry Variant Classification Scheme 2023. Collection method: clinical testing. Allele origin: germline.

Blueprint Genetics
Classification: Likely benign. Last evaluated: 2020-08-19. Review status: criteria provided, single submitter. Criteria: ACMG Guidelines, 2015. Collection method: clinical testing. Allele origin: germline.

Literature cited by the submitters: PubMed 32746448 (cited by Women's Health and Genetics/Laboratory Corporation of America, LabCorp and Labcorp Genetics (formerly Invitae), Labcorp).